The following is an entry in ClinVar:

NM_001939.3(DRP2):c.891C>A (p.His297Gln)

Gene: DRP2 (dystrophin related protein 2; plus strand). Cytogenetic location: Xq22.1.
Variant type: single nucleotide variant.
Coding change: c.891C>A on transcript NM_001939.3 (MANE Select); coding-DNA position 891, C replaced by A.
Protein change: p.His297Gln; replaces histidine 297 with glutamine.
Molecular consequence: missense variant.
Genome position (GRCh38, 1-based): chrX:101,242,387, C>A. VCF-style: chrX-101242387-C-A. GRCh37 (hg19) VCF-style: chrX-100497376-C-A.
Other names: c.657C>A, p.His219Gln (NM_001171184.2); c.891C>A (NM_001939.2); short protein forms H219Q, H297Q.
Identifiers: ClinVar variation 3610913 (VCV003610913.3).

ClinVar aggregate classification (germline): Uncertain significance. Review status: criteria provided, multiple submitters, no conflicts (2 of 4 stars). 2 submissions from 2 submitters: Uncertain significance (2). Last evaluated 2025-08-26.

gnomAD v4.1: 8 of 1,211,825 alleles (0.00066%); highest among the groups gnomAD compares: Middle Eastern, 0.023%; no homozygotes.

Submissions (2):

Ambry Genetics
Classification: Uncertain significance. Last evaluated: 2025-08-26. Review status: criteria provided, single submitter. Criteria: Ambry Variant Classification Scheme 2023. Collection method: clinical testing. Allele origin: germline.

Labcorp Genetics (formerly Invitae), Labcorp
Classification: Uncertain significance. Last evaluated: 2024-10-24. Review status: criteria provided, single submitter. Criteria: Invitae Variant Classification Sherloc (09022015). Collection method: clinical testing. Allele origin: germline.
Comment: This sequence change replaces histidine, which is basic and polar, with glutamine, which is neutral and polar, at codon 297 of the DRP2 protein (p.His297Gln). This variant is present in population databases (rs763056573, gnomAD 0.001%). This variant has not been reported in the literature in individuals affected with DRP2-related conditions. Invitae Evidence Modeling of protein sequence and biophysical properties (such as structural, functional, and spatial information, amino acid conservation, physicochemical variation, residue mobility, and thermodynamic stability) indicates that this missense variant is not expected to disrupt DRP2 protein function with a negative predictive value of 80%. In summary, the available evidence is currently insufficient to determine the role of this variant in disease. Therefore, it has been classified as a Variant of Uncertain Significance.